The following is an entry in ClinVar:

NM_152743.4(BRAT1):c.594C>G (p.Ile198Met)

Gene: BRAT1 (BRCA1 associated ATM activator 1; minus strand). Cytogenetic location: 7p22.3.
Variant type: single nucleotide variant.
Coding change: c.594C>G on transcript NM_152743.4 (MANE Select); coding-DNA position 594, C replaced by G.
Protein change: p.Ile198Met; replaces isoleucine 198 with methionine.
Molecular consequence: missense variant. On other transcripts: non-coding transcript variant (1).
Genome position (GRCh38, 1-based): chr7:2,543,799, G>C on the plus strand (C>G on the coding strand, the complement: BRAT1 is on the minus strand). VCF-style: chr7-2543799-G-C. GRCh37 (hg19) VCF-style: chr7-2583433-G-C.
Other names: c.594C>G, p.Ile198Met (NM_001350626.2); c.69C>G, p.Ile23Met (NM_001350627.2); short protein forms I198M, I23M.
Identifiers: ClinVar variation 2172562 (VCV002172562.1), dbSNP rs1238176491, ClinGen allele CA366632173.

ClinVar aggregate classification (germline): Uncertain significance (1 of 4 stars; one submission).

Conditions:
Neonatal-onset encephalopathy with rigidity and seizures. Also called: Lethal neonatal spasticity-epileptic encephalopathy syndrome. Identifiers: Orphanet 435845, MedGen C3281029, MONDO:0013784, OMIM 614498.

Allele frequency attached by ClinVar (database versions not stated): gnomAD 0.00001; TOPMed 0.00002.

Submission:

Labcorp Genetics (formerly Invitae), Labcorp
Classification: Uncertain significance for Neonatal-onset encephalopathy with rigidity and seizures. Last evaluated: 2022-06-01. Review status: criteria provided, single submitter. Criteria: Invitae Variant Classification Sherloc (09022015). Collection method: clinical testing. Allele origin: germline.
Comment: This sequence change replaces isoleucine, which is neutral and non-polar, with methionine, which is neutral and non-polar, at codon 198 of the BRAT1 protein (p.Ile198Met). This variant is present in population databases (no rsID available, gnomAD 0.0009%). This variant has not been reported in the literature in individuals affected with BRAT1-related conditions. Algorithms developed to predict the effect of missense changes on protein structure and function are either unavailable or do not agree on the potential impact of this missense change (SIFT: "Deleterious"; PolyPhen-2: "Probably Damaging"; Align-GVGD: "Class C0"). In summary, the available evidence is currently insufficient to determine the role of this variant in disease. Therefore, it has been classified as a Variant of Uncertain Significance.